The following is an entry in ClinVar:

NM_001387430.1(SH2B1):c.1484C>G (p.Pro495Arg)

Gene: SH2B1 (SH2B adaptor protein 1; plus strand). Cytogenetic location: 16p11.2.
Variant type: single nucleotide variant.
Coding change: c.1484C>G on transcript NM_001387430.1 (MANE Select); coding-DNA position 1484, C replaced by G.
Protein change: p.Pro495Arg; replaces proline 495 with arginine.
Molecular consequence: missense variant.
Genome position (GRCh38, 1-based): chr16:28,871,954, C>G. VCF-style: chr16-28871954-C-G. GRCh37 (hg19) VCF-style: chr16-28883275-C-G.
Other names: c.1484C>G, p.Pro495Arg (NM_001145795.2, NM_001145796.2, NM_001145797.2 and 4 more transcripts); c.476C>G, p.Pro159Arg (NM_001308294.2); short protein forms P495R, P159R.
Identifiers: ClinVar variation 4979224 (VCV004979224.1).
Genomic context (GRCh38, chr16:28,871,954, plus strand): 5'-GCATCCCCATTGAAGAGGGACCCCCAACAGGGACAGTTCATCCCCTCTCAGCCCCCTACC[C>G]TCCCTTGGACACTCCGGAAACAGCCACAGGTACCGGAGGTGTGAGTGTGCATGTCTCCAG-3'
Protein context (NP_001374359.1, residues 485-505): GTVHPLSAPY[Pro495Arg]PLDTPETATG

ClinVar aggregate classification (germline): Uncertain significance (1 of 4 stars; one submission).

Conditions:
SH2B1-related disorder. Also called: SH2B1-related condition.

Submission:

PreventionGenetics, part of Exact Sciences
Classification: Uncertain significance for SH2B1-related condition. Last evaluated: 2024-11-26. Review status: criteria provided, single submitter. Criteria: ACMG Guidelines, 2015. Collection method: clinical testing. Allele origin: germline.
Comment: The SH2B1 c.1484C>G variant is predicted to result in the amino acid substitution p.Pro495Arg. To our knowledge, this variant has not been reported in the literature. This variant is reported in 0.078% of alleles in individuals of Ashkenazi Jewish descent in gnomAD. Although we suspect that this variant may be benign, at this time, the clinical significance of this variant is uncertain due to the absence of conclusive functional and genetic evidence.